The following is an entry in ClinVar:

NM_000245.4(MET):c.1375G>A (p.Glu459Lys)

Gene: MET (MET proto-oncogene, receptor tyrosine kinase; plus strand). Cytogenetic location: 7q31.2.
Variant type: single nucleotide variant.
Coding change: c.1375G>A on transcript NM_000245.4 (MANE Select); coding-DNA position 1375, G replaced by A.
Protein change: p.Glu459Lys; replaces glutamic acid 459 with lysine.
Molecular consequence: missense variant.
Genome position (GRCh38, 1-based): chr7:116,731,842, G>A. VCF-style: chr7-116731842-G-A. GRCh37 (hg19) VCF-style: chr7-116371896-G-A.
Other names: c.1375G>A, p.Glu459Lys (NM_001127500.3, NM_001324401.3); c.85G>A, p.Glu29Lys (NM_001324402.2); short protein forms E29K, E459K.
Identifiers: ClinVar variation 1771144 (VCV001771144.4), dbSNP rs2116784052, ClinGen allele CA368973100.
Genomic context (GRCh38, chr7:116,731,842, plus strand): 5'-TTAACATCTATATCCACCTTCATTAAAGGAGACCTCACCATAGCTAATCTTGGGACATCA[G>A]AGGGTCGCTTCATGCAGGTAAGTGCTTTCTGAGAGTAGCTGTGTCTGTTCTATCTGGTAT-3'
Protein context (NP_000236.2, residues 449-469): DLTIANLGTS[Glu459Lys]GRFMQVVVSR

ClinVar aggregate classification (germline): Uncertain significance. Review status: criteria provided, multiple submitters, no conflicts (2 of 4 stars). 2 submissions from 2 submitters: Uncertain significance (2). Last evaluated 2025-08-22.

Conditions:
Renal cell carcinoma. Identifiers: Orphanet 217071, MedGen C0007134, MeSH D002292, MONDO:0005086, HP:0005584.
Hereditary cancer-predisposing syndrome. Also called: Hereditary Cancer Syndrome; Hereditary neoplastic syndrome; Neoplastic Syndromes, Hereditary; Tumor predisposition. Identifiers: Orphanet 140162, MedGen C0027672, MeSH D009386, MONDO:0015356.

Submissions (2):

Labcorp Genetics (formerly Invitae), Labcorp
Classification: Uncertain significance for Renal cell carcinoma. Last evaluated: 2025-08-22. Review status: criteria provided, single submitter. Criteria: Invitae Variant Classification Sherloc (09022015). Collection method: clinical testing. Allele origin: germline.
Comment: This sequence change replaces glutamic acid, which is acidic and polar, with lysine, which is basic and polar, at codon 459 of the MET protein (p.Glu459Lys). This variant is not present in population databases (gnomAD no frequency). This variant has not been reported in the literature in individuals affected with MET-related conditions. ClinVar contains an entry for this variant (Variation ID: 1771144). Invitae Evidence Modeling of protein sequence and biophysical properties (such as structural, functional, and spatial information, amino acid conservation, physicochemical variation, residue mobility, and thermodynamic stability) indicates that this missense variant is not expected to disrupt MET protein function with a negative predictive value of 80%. In summary, the available evidence is currently insufficient to determine the role of this variant in disease. Therefore, it has been classified as a Variant of Uncertain Significance.

Ambry Genetics
Classification: Uncertain significance for Hereditary cancer-predisposing syndrome. Last evaluated: 2024-04-01. Review status: criteria provided, single submitter. Criteria: Ambry Variant Classification Scheme 2023. Collection method: clinical testing. Allele origin: germline.
Comment: The p.E459K variant (also known as c.1375G>A), located in coding exon 2 of the MET gene, results from a G to A substitution at nucleotide position 1375. The glutamic acid at codon 459 is replaced by lysine, an amino acid with similar properties. This amino acid position is conserved. In addition, this alteration is predicted to be tolerated by in silico analysis. Since supporting evidence is limited at this time, the clinical significance of this alteration remains unclear.